The following is an entry in ClinVar:

NM_130468.4(CHST14):c.94G>C (p.Ala32Pro)

Genes: CHST14 (carbohydrate sulfotransferase 14; plus strand), LOC130056851 (ATAC-STARR-seq lymphoblastoid silent region 6336; plus strand). Cytogenetic location: 15q15.1.
Variant type: single nucleotide variant.
Coding change: c.94G>C on transcript NM_130468.4 (MANE Select); coding-DNA position 94, G replaced by C.
Protein change: p.Ala32Pro; replaces alanine 32 with proline.
Molecular consequence: missense variant.
Genome position (GRCh38, 1-based): chr15:40,471,307, G>C. VCF-style: chr15-40471307-G-C. GRCh37 (hg19) VCF-style: chr15-40763506-G-C.
Other names: short protein forms A32P.
Identifiers: ClinVar variation 1767179 (VCV001767179.2), dbSNP rs2543005301, ClinGen allele CA391763589.
Genomic context (GRCh38, chr15:40,471,307, plus strand): 5'-CCAAATGGCGCCGAGCCCCTGGGCCGGGCGCTGAGGCGGGCCCCTCTGGGCAGGGCCCGG[G>C]CGGGGCTGGGTGGGCCGCCCCTGCTGCTGCCGTCCATGCTGATGTTTGCGGTGATCGTGG-3'
Protein context (NP_569735.1, residues 22-42): LRRAPLGRAR[Ala32Pro]GLGGPPLLLP

ClinVar aggregate classification (germline): Uncertain significance (1 of 4 stars; one submission).

Conditions:
Cardiovascular phenotype. Identifiers: MedGen CN230736.

Submission:

Ambry Genetics
Classification: Uncertain significance for Cardiovascular phenotype. Last evaluated: 2021-11-14. Review status: criteria provided, single submitter. Criteria: Ambry Variant Classification Scheme 2023. Collection method: clinical testing. Allele origin: germline.
Comment: The p.A32P variant (also known as c.94G>C), located in coding exon 1 of the CHST14 gene, results from a G to C substitution at nucleotide position 94. The alanine at codon 32 is replaced by proline, an amino acid with highly similar properties. This amino acid position is conserved. In addition, this alteration is predicted to be tolerated by in silico analysis. Since supporting evidence is limited at this time, the clinical significance of this alteration remains unclear.